The following is an entry in ClinVar:

NM_017849.4(TMEM127):c.13G>A (p.Gly5Arg)

Genes: TMEM127 (transmembrane protein 127; minus strand), LOC129934333 (ATAC-STARR-seq lymphoblastoid silent region 11759; plus strand). Cytogenetic location: 2q11.2.
Variant type: single nucleotide variant.
Coding change: c.13G>A on transcript NM_017849.4 (MANE Select); coding-DNA position 13, G replaced by A.
Protein change: p.Gly5Arg; replaces glycine 5 with arginine.
Molecular consequence: missense variant.
Genome position (GRCh38, 1-based): chr2:96,265,369, C>T on the plus strand (G>A on the coding strand, the complement: TMEM127 is on the minus strand). VCF-style: chr2-96265369-C-T. GRCh37 (hg19) VCF-style: chr2-96931107-C-T.
Other names: c.13G>A, p.Gly5Arg (NM_001193304.3); short protein forms G5R.
Identifiers: ClinVar variation 185610 (VCV000185610.15), dbSNP rs786202314, ClinGen allele CA192410.

ClinVar aggregate classification (germline): Uncertain significance. Review status: criteria provided, multiple submitters, no conflicts (2 of 4 stars). 3 submissions from 3 submitters: Uncertain significance (3). Last evaluated 2025-08-11.

Conditions:
Hereditary cancer-predisposing syndrome. Also called: Tumor predisposition; Hereditary neoplastic syndrome; Neoplastic Syndromes, Hereditary; Hereditary Cancer Syndrome. Identifiers: Orphanet 140162, MedGen C0027672, MeSH D009386, MONDO:0015356.
Hereditary pheochromocytoma and paraganglioma. Also called: Hereditary paragangliomas and pheochromocytomas; Hereditary Paraganglioma-Pheochromocytoma Syndromes; Hereditary pheochromocytoma-paraganglioma. Identifiers: Orphanet 29072, MedGen C4274332, MONDO:0017366.
Pheochromocytoma. Also called: MAX-Related Hereditary Paraganglioma-Pheochromocytoma Syndrome. Identifiers: Orphanet 29072, MedGen C0031511, MONDO:0008233, OMIM 171300, HP:0002666.

gnomAD v4.1: 2 of 1,465,784 alleles (0.00014%); highest among the groups gnomAD compares: South Asian, 0.0027%; no homozygotes.

Submissions (3):

Labcorp Genetics (formerly Invitae), Labcorp
Classification: Uncertain significance for Hereditary pheochromocytoma and paraganglioma. Last evaluated: 2025-08-11. Review status: criteria provided, single submitter. Criteria: Invitae Variant Classification Sherloc (09022015). Collection method: clinical testing. Allele origin: germline.
Comment: This sequence change replaces glycine, which is neutral and non-polar, with arginine, which is basic and polar, at codon 5 of the TMEM127 protein (p.Gly5Arg). This variant is not present in population databases (gnomAD no frequency). This variant has not been reported in the literature in individuals affected with TMEM127-related conditions. ClinVar contains an entry for this variant (Variation ID: 185610). Experimental studies and prediction algorithms are not available or were not evaluated, and the functional significance of this variant is currently unknown. In summary, the available evidence is currently insufficient to determine the role of this variant in disease. Therefore, it has been classified as a Variant of Uncertain Significance.

Baylor Genetics
Classification: Uncertain significance for Pheochromocytoma. Last evaluated: 2023-05-12. Review status: criteria provided, single submitter. Criteria: ACMG Guidelines, 2015. Collection method: clinical testing. Allele origin: unknown.

Ambry Genetics
Classification: Uncertain significance for Hereditary cancer-predisposing syndrome. Last evaluated: 2014-07-24. Review status: criteria provided, single submitter. Criteria: Ambry Variant Classification Scheme 2023. Collection method: clinical testing. Allele origin: germline.
Comment: The p.G5R variant (also known as c.13G>A), located in coding exon 1 of the TMEM127 gene, results from a G to A substitution at nucleotide position 13. The glycine at codon 5 is replaced by arginine, an amino acid with dissimilar properties. This variant was not reported in population based cohorts in the following databases: Database of Single Nucleotide Polymorphisms (dbSNP), NHLBI Exome Sequencing Project (ESP), and 1000 Genomes Project. In the ESP, this variant was not observed in 1824 samples (3648 alleles) with coverage at this position. To date, this alteration has been detected with an allele frequency of approximately 0.13% (greater than 750 alleles tested) in our clinical cohort. Based on protein sequence alignment, this amino acid position is well conserved through mammals. This amino acid position is well conserved through mammals. In addition, the in silico prediction for this alteration is inconclusive. Since supporting evidence is limited at this time, the clinical significance of p.G5R remains unclear.